The following is an entry in ClinVar:

ClinVar aggregate classification (germline): Uncertain significance. Review status: criteria provided, multiple submitters, no conflicts (2 of 4 stars). 2 submissions from 2 submitters: Uncertain significance (2). Last evaluated 2025-02-11.

Conditions:
Hereditary cancer-predisposing syndrome. Also called: Neoplastic Syndromes, Hereditary; Hereditary Cancer Syndrome; Hereditary neoplastic syndrome; Tumor predisposition. Identifiers: Orphanet 140162, MedGen C0027672, MeSH D009386, MONDO:0015356.
Oligodontia-cancer predisposition syndrome. Also called: TOOTH AGENESIS-COLORECTAL CANCER SYNDROME. Identifiers: Orphanet 300576, MedGen C1837750, MONDO:0012075, OMIM 608615. Disease mechanism: loss of function.

gnomAD v4.1: 1 of 1,614,090 alleles (0.000062%); highest among the groups gnomAD compares: Non-Finnish European, 0.000085%; no homozygotes.

Submissions (2):

Labcorp Genetics (formerly Invitae), Labcorp
Classification: Uncertain significance for Oligodontia-cancer predisposition syndrome. Last evaluated: 2025-02-11. Review status: criteria provided, single submitter. Criteria: Invitae Variant Classification Sherloc (09022015). Collection method: clinical testing. Allele origin: germline.
Comment: This sequence change replaces lysine, which is basic and polar, with arginine, which is basic and polar, at codon 797 of the AXIN2 protein (p.Lys797Arg). This variant is not present in population databases (gnomAD no frequency). This variant has not been reported in the literature in individuals affected with AXIN2-related conditions. ClinVar contains an entry for this variant (Variation ID: 934030). Invitae Evidence Modeling of protein sequence and biophysical properties (such as structural, functional, and spatial information, amino acid conservation, physicochemical variation, residue mobility, and thermodynamic stability) indicates that this missense variant is not expected to disrupt AXIN2 protein function with a negative predictive value of 80%. In summary, the available evidence is currently insufficient to determine the role of this variant in disease. Therefore, it has been classified as a Variant of Uncertain Significance.

Ambry Genetics
Classification: Uncertain significance for Hereditary cancer-predisposing syndrome. Last evaluated: 2021-10-29. Review status: criteria provided, single submitter. Criteria: Ambry Variant Classification Scheme 2023. Collection method: clinical testing. Allele origin: germline.
Comment: The p.K797R variant (also known as c.2390A>G), located in coding exon 9 of the AXIN2 gene, results from an A to G substitution at nucleotide position 2390. The lysine at codon 797 is replaced by arginine, an amino acid with highly similar properties. This amino acid position is conserved. In addition, this alteration is predicted to be tolerated by in silico analysis. Since supporting evidence is limited at this time, the clinical significance of this alteration remains unclear.

NM_004655.4(AXIN2):c.2390A>G (p.Lys797Arg)

Gene: AXIN2 (axin 2; minus strand). Cytogenetic location: 17q24.1.
Variant type: single nucleotide variant.
Coding change: c.2390A>G on transcript NM_004655.4 (MANE Select); coding-DNA position 2390, A replaced by G.
Protein change: p.Lys797Arg; replaces lysine 797 with arginine.
Molecular consequence: missense variant.
Genome position (GRCh38, 1-based): chr17:65,533,927, T>C on the plus strand (A>G on the coding strand, the complement: AXIN2 is on the minus strand). VCF-style: chr17-65533927-T-C. GRCh37 (hg19) VCF-style: chr17-63530045-T-C.
Other names: c.2195A>G, p.Lys732Arg (NM_001363813.1); short protein forms K732R, K797R.
Identifiers: ClinVar variation 934030 (VCV000934030.10), dbSNP rs1555576353, ClinGen allele CA400675346.
Genomic context (GRCh38, chr17:65,533,927, plus strand): 5'-CTGAGCAAACAAACTGAGAGCAGAAAAAAGCCACAGGACTCTTACCTATAATTTCCCTTT[T>C]TGCTGAGCTGCTCTTTAAAGTGGCCCAGGGTCAAGCTCTGAGCCTTCAGCATCCTCCGGT-3'
Protein context (NP_004646.3, residues 787-807): TLGHFKEQLS[Lys797Arg]KGNYRYYFKK